The following is an entry in ClinVar:

NM_018089.3(ANKZF1):c.1939C>T (p.Arg647Trp)

Gene: ANKZF1 (ankyrin repeat and zinc finger peptidyl tRNA hydrolase 1; plus strand). Cytogenetic location: 2q35.
Variant type: single nucleotide variant.
Coding change: c.1939C>T on transcript NM_018089.3 (MANE Select); coding-DNA position 1939, C replaced by T.
Protein change: p.Arg647Trp; replaces arginine 647 with tryptophan.
Molecular consequence: missense variant.
Genome position (GRCh38, 1-based): chr2:219,235,843, C>T. VCF-style: chr2-219235843-C-T. GRCh37 (hg19) VCF-style: chr2-220100565-C-T.
Other names: c.1939C>T, p.Arg647Trp (NM_001042410.2); c.1309C>T, p.Arg437Trp (NM_001282792.2); short protein forms R647W, R437W.
Identifiers: ClinVar variation 1492371 (VCV001492371.8), dbSNP rs747712997, ClinGen allele CA2121235.
Genomic context (GRCh38, chr2:219,235,843, plus strand): 5'-CAACGGGAGGAACAGCAGCAGAGGCAGCAGGAGCAGGAGGAGCGTGAACGAGAAGAGCAG[C>T]GGCGATTTGCCGCCCTCAGTGACCGAGAGAAGGTGAGGCTGGAGGTTCTCTTGTCCATGG-3'
Protein context (NP_060559.2, residues 637-657): EQEEREREEQ[Arg647Trp]RFAALSDREK

ClinVar aggregate classification (germline): Uncertain significance (1 of 4 stars; one submission).

Allele frequency attached by ClinVar (database versions not stated): gnomAD 0.00001; gnomAD exomes 0.00002 and 0.00004; ExAC 0.00008.
gnomAD v4.1: 35 of 1,614,064 alleles (0.0022%); highest among the groups gnomAD compares: South Asian, 0.034%; no homozygotes.

Submission:

Labcorp Genetics (formerly Invitae), Labcorp
Classification: Uncertain significance. Last evaluated: 2025-07-02. Review status: criteria provided, single submitter. Criteria: Invitae Variant Classification Sherloc (09022015). Collection method: clinical testing. Allele origin: germline.
Comment: This sequence change replaces arginine, which is basic and polar, with tryptophan, which is neutral and slightly polar, at codon 647 of the ANKZF1 protein (p.Arg647Trp). This variant is present in population databases (rs747712997, gnomAD 0.03%). This variant has not been reported in the literature in individuals affected with ANKZF1-related conditions. ClinVar contains an entry for this variant (Variation ID: 1492371). An algorithm developed to predict the effect of missense changes on protein structure and function (PolyPhen-2) suggests that this variant is likely to be tolerated. In summary, the available evidence is currently insufficient to determine the role of this variant in disease. Therefore, it has been classified as a Variant of Uncertain Significance.